The following is an entry in ClinVar:

ClinVar aggregate classification (germline): Uncertain significance (1 of 4 stars; one submission).

Conditions:
Cerebral creatine deficiency syndrome. Also called: Creatine deficiency syndromes. Identifiers: Orphanet 79172, MedGen C5244016, MONDO:0000456.

gnomAD v4.1: 7 of 1,606,580 alleles (0.00044%); highest among the groups gnomAD compares: African/African-American, 0.0027%; no homozygotes.

Submission:

Labcorp Genetics (formerly Invitae), Labcorp
Classification: Uncertain significance for Cerebral creatine deficiency syndrome. Last evaluated: 2025-11-13. Review status: criteria provided, single submitter. Criteria: Invitae Variant Classification Sherloc (09022015). Collection method: clinical testing. Allele origin: germline.
Comment: This sequence change replaces arginine, which is basic and polar, with glutamine, which is neutral and polar, at codon 63 of the GAMT protein (p.Arg63Gln). The frequency data for this variant in the population databases is considered unreliable, as metrics indicate poor data quality at this position in the gnomAD database. This variant has not been reported in the literature in individuals affected with GAMT-related conditions. ClinVar contains an entry for this variant (Variation ID: 3631260). Invitae Evidence Modeling of protein sequence and biophysical properties (such as structural, functional, and spatial information, amino acid conservation, physicochemical variation, residue mobility, and thermodynamic stability) has been performed for this missense variant. However, the output from this modeling did not meet the statistical confidence thresholds required to predict the impact of this variant on GAMT protein function. In summary, the available evidence is currently insufficient to determine the role of this variant in disease. Therefore, it has been classified as a Variant of Uncertain Significance.

NM_000156.6(GAMT):c.188G>A (p.Arg63Gln)

Gene: GAMT (guanidinoacetate N-methyltransferase; minus strand). Cytogenetic location: 19p13.3.
Variant type: single nucleotide variant.
Coding change: c.188G>A on transcript NM_000156.6 (MANE Select); coding-DNA position 188, G replaced by A.
Protein change: p.Arg63Gln; replaces arginine 63 with glutamine.
Molecular consequence: missense variant.
Genome position (GRCh38, 1-based): chr19:1,399,932, C>T on the plus strand (G>A on the coding strand, the complement: GAMT is on the minus strand). VCF-style: chr19-1399932-C-T. GRCh37 (hg19) VCF-style: chr19-1399931-C-T.
Other names: c.188G>A, p.Arg63Gln (NM_138924.3); short protein forms R63Q.
Identifiers: ClinVar variation 3631260 (VCV003631260.2).